The following is an entry in ClinVar:

ClinVar aggregate classification (germline): Conflicting classifications of pathogenicity. Review status: criteria provided, conflicting classifications (1 of 4 stars). 6 submissions from 6 submitters: Uncertain significance (5); Likely benign (1). Last evaluated 2025-11-22.

Conditions:
Hereditary cancer-predisposing syndrome. Also called: Neoplastic Syndromes, Hereditary; Hereditary neoplastic syndrome; Tumor predisposition; Hereditary Cancer Syndrome. Identifiers: Orphanet 140162, MedGen C0027672, MeSH D009386, MONDO:0015356.
Familial cancer of breast. Also called: BREAST CANCER, FAMILIAL; hereditary breast carcinoma; Hereditary breast cancer. Identifiers: Orphanet 227535, MedGen C0346153, MONDO:0016419, OMIM 114480. Disease mechanism: loss of function.
Fanconi anemia complementation group N. Also called: PALB2-Related Fanconi Anemia. Identifiers: Orphanet 84, MedGen C1835817, MONDO:0012565, OMIM 610832. Disease mechanism: loss of function.

Allele frequency attached by ClinVar (database versions not stated): TOPMed 0.00002.
gnomAD v4.1: 8 of 1,613,236 alleles (0.0005%); highest among the groups gnomAD compares: East Asian, 0.018%; no homozygotes.

Submissions (6):

Labcorp Genetics (formerly Invitae), Labcorp
Classification: Uncertain significance for Familial cancer of breast. Last evaluated: 2025-11-22. Review status: criteria provided, single submitter. Criteria: Invitae Variant Classification Sherloc (09022015). Collection method: clinical testing. Allele origin: germline.
Comment: This sequence change replaces alanine, which is neutral and non-polar, with glycine, which is neutral and non-polar, at codon 38 of the PALB2 protein (p.Ala38Gly). This variant is present in population databases (rs371875379, gnomAD 0.03%). This missense change has been observed in individual(s) with breast cancer (PMID: 28580595, 29263802, 32068069). ClinVar contains an entry for this variant (Variation ID: 318561). An algorithm developed to predict the effect of missense changes on protein structure and function (PolyPhen-2) suggests that this variant is likely to be disruptive. Experimental studies have shown that this missense change does not substantially affect PALB2 function (PMID: 33811135). In summary, the available evidence is currently insufficient to determine the role of this variant in disease. Therefore, it has been classified as a Variant of Uncertain Significance.

ARUP Laboratories, Molecular Genetics and Genomics, ARUP Laboratories
Classification: Likely benign. Last evaluated: 2025-06-06. Review status: criteria provided, single submitter. Criteria: ARUP Molecular Germline Variant Investigation Process 2024. Collection method: clinical testing. Allele origin: germline.

Women's Health and Genetics/Laboratory Corporation of America, LabCorp
Classification: Uncertain significance. Last evaluated: 2025-03-26. Review status: criteria provided, single submitter. Criteria: LabCorp Variant Classification Summary - May 2015. Collection method: clinical testing. Allele origin: germline.
Comment: Variant summary: PALB2 c.113C>G (p.Ala38Gly) results in a non-conservative amino acid change in the encoded protein sequence. Three of five in-silico tools predict a benign effect of the variant on protein function. The variant allele was found at a frequency of 2.8e-05 in 251464 control chromosomes. The available data on variant occurrences in the general population are insufficient to allow any conclusion about variant significance. c.113C>G has been reported in the literature in individuals affected with Breast Cancer, some with a family history of other cancers, including those related to Hereditary Breast And Ovarian Cancer Syndrome (e.g. Wong_2016, Xie_2018, Kwong_2020). These reports do not provide unequivocal conclusions about association of the variant with Hereditary Breast And Ovarian Cancer Syndrome. At least one publication reports experimental evidence evaluating an impact on protein function in a mouse embryonic stem cell-based assay of homologous recombination-mediated repair (Ng_2022). These results showed no damaging effect of this variant versus the WT protein. The following publications have been ascertained in the context of this evaluation (PMID: 32068069, 33811135, 29263802, 28580595). ClinVar contains an entry for this variant (Variation ID: 318561). Based on the evidence outlined above, the variant was classified as uncertain significance.

Ambry Genetics
Classification: Uncertain significance for Hereditary cancer-predisposing syndrome. Last evaluated: 2024-02-16. Review status: criteria provided, single submitter. Criteria: Ambry Variant Classification Scheme 2023. Collection method: clinical testing. Allele origin: germline.
Comment: The p.A38G variant (also known as c.113C>G), located in coding exon 3 of the PALB2 gene, results from a C to G substitution at nucleotide position 113. The alanine at codon 38 is replaced by glycine, an amino acid with similar properties. This alteration was seen in two Chinese patients with early-onset breast cancer (Wong ESY et al. NPJ Genom. Med. 2016 Jan;1:15003). This amino acid position is well conserved in available vertebrate species. In addition, this alteration is predicted to be tolerated by in silico analysis. Since supporting evidence is limited at this time, the clinical significance of this alteration remains unclear.

Color Diagnostics, LLC DBA Color Health
Classification: Uncertain significance for Hereditary cancer-predisposing syndrome. Last evaluated: 2018-12-13. Review status: criteria provided, single submitter. Criteria: ACMG Guidelines, 2015. Collection method: clinical testing. Allele origin: germline.

Illumina Laboratory Services, Illumina
Classification: Uncertain significance for Fanconi anemia complementation group N. Last evaluated: 2018-01-13. Review status: criteria provided, single submitter. Criteria: ICSL Variant Classification Criteria 13 December 2019. Collection method: clinical testing. Allele origin: germline.

Literature cited by the submitters: PubMed 28580595 (cited by 3 submitters); PubMed 29263802 (cited by 3 submitters); PubMed 32068069 (cited by Labcorp Genetics (formerly Invitae), Labcorp and Women's Health and Genetics/Laboratory Corporation of America, LabCorp); PubMed 33811135 (cited by Labcorp Genetics (formerly Invitae), Labcorp and Women's Health and Genetics/Laboratory Corporation of America, LabCorp).

NM_024675.4(PALB2):c.113C>G (p.Ala38Gly)

Gene: PALB2 (partner and localizer of BRCA2; minus strand). Cytogenetic location: 16p12.2.
Variant type: single nucleotide variant.
Coding change: c.113C>G on transcript NM_024675.4 (MANE Select); coding-DNA position 113, C replaced by G.
Protein change: p.Ala38Gly; replaces alanine 38 with glycine.
Molecular consequence: missense variant.
Genome position (GRCh38, 1-based): chr16:23,637,948, G>C on the plus strand (C>G on the coding strand, the complement: PALB2 is on the minus strand). VCF-style: chr16-23637948-G-C. GRCh37 (hg19) VCF-style: chr16-23649269-G-C.
Other names: short protein forms A38G.
Identifiers: ClinVar variation 318561 (VCV000318561.23), dbSNP rs371875379, ClinGen allele CA7963838.